The following is an entry in ClinVar:

NM_021155.4(CD209):c.929G>T (p.Ser310Ile)

Gene: CD209 (CD209 molecule; minus strand). Cytogenetic location: 19p13.2.
Variant type: single nucleotide variant.
Coding change: c.929G>T on transcript NM_021155.4 (MANE Select); coding-DNA position 929, G replaced by T.
Protein change: p.Ser310Ile; replaces serine 310 with isoleucine.
Molecular consequence: missense variant. On other transcripts: non-coding transcript variant (1).
Genome position (GRCh38, 1-based): chr19:7,744,191, C>A on the plus strand (G>T on the coding strand, the complement: CD209 is on the minus strand). VCF-style: chr19-7744191-C-A. GRCh37 (hg19) VCF-style: chr19-7809077-C-A.
Other names: c.521G>T, p.Ser174Ile (NM_001144893.2); c.797G>T, p.Ser266Ile (NM_001144894.2); c.653G>T, p.Ser218Ile (NM_001144895.2); c.857G>T, p.Ser286Ile (NM_001144896.2); c.911G>T, p.Ser304Ile (NM_001144897.2); c.446G>T, p.Ser149Ile (NM_001144899.2); short protein forms S149I, S174I, S218I, S266I, S286I, S304I, S310I.
Identifiers: ClinVar variation 2649172 (VCV002649172.24), dbSNP rs1172498367, ClinGen allele CA403097417.

ClinVar aggregate classification (germline): Likely benign (1 of 4 stars; one submission).

gnomAD v4.1: 3 of 1,614,162 alleles (0.00019%); highest among the groups gnomAD compares: Middle Eastern, 0.016%; no homozygotes.

Submission:

CeGaT Center for Human Genetics Tuebingen
Classification: Likely benign. Last evaluated: 2023-09-01. Review status: criteria provided, single submitter. Criteria: CeGaT Center For Human Genetics Tuebingen Variant Classification Criteria Version 2. Collection method: clinical testing. Allele origin: germline. Affected: yes. Observed: 1 variant allele.
Comment: CD209: BP4